The following is an entry in ClinVar:

ClinVar aggregate classification (germline): Uncertain significance. Review status: criteria provided, multiple submitters, no conflicts (2 of 4 stars). 2 submissions from 2 submitters: Uncertain significance (2). Last evaluated 2023-09-23.

Conditions:
Epidermolysis bullosa simplex 5B, with muscular dystrophy (EBS5B). Also called: Epidermolysis bullosa simplex with muscular dystrophy; EPIDERMOLYSIS BULLOSA SIMPLEX AND LIMB-GIRDLE MUSCULAR DYSTROPHY. Identifiers: Orphanet 257, MedGen C2931072, MONDO:0009181, OMIM 226670.
Epidermolysis bullosa simplex, Ogna type (EBS5A). Also called: Pidermolysis bullosa simplex 5A, Ogna type; EPIDERMOLYSIS BULLOSA SIMPLEX 5A, OGNA TYPE. Identifiers: Orphanet 79401, MedGen C0432317, MONDO:0007555, OMIM 131950.
Epidermolysis bullosa simplex 5C, with pyloric atresia (EBS5C). Also called: PLEC-Related Epidermolysis Bullosa with Pyloric Atresia; Epidermolysis bullosa simplex with pyloric atresia; PLEC1-Related Epidermolysis Bullosa with Pyloric Atresia. Identifiers: Orphanet 158684, MedGen C2677349, MONDO:0012807, OMIM 612138.
Autosomal recessive limb-girdle muscular dystrophy type 2Q (LGMDR17). Also called: MUSCULAR DYSTROPHY, LIMB-GIRDLE, AUTOSOMAL RECESSIVE 17. Identifiers: Orphanet 254361, MedGen C3150989, MONDO:0013390, OMIM 613723.
Epidermolysis bullosa simplex with nail dystrophy (EBS5D). Identifiers: MedGen C4225309, MONDO:0014661, OMIM 616487.

Allele frequency attached by ClinVar (database versions not stated): gnomAD exomes below 0.00001 and 0.00001; TOPMed below 0.00001; ExAC 0.00001; gnomAD 0.00001.
gnomAD v4.1: 8 of 1,612,966 alleles (0.0005%); highest among the groups gnomAD compares: Non-Finnish European, 0.00059%; no homozygotes.

Submissions (2):

Revvity Omics, Revvity
Classification: Uncertain significance. Last evaluated: 2023-09-23. Review status: criteria provided, single submitter. Criteria: ACMG Guidelines, 2015. Collection method: clinical testing. Allele origin: germline.

Labcorp Genetics (formerly Invitae), Labcorp
Classification: Uncertain significance for Autosomal recessive limb-girdle muscular dystrophy type 2Q; Epidermolysis bullosa simplex, Ogna type; Epidermolysis bullosa simplex with nail dystrophy; Epidermolysis bullosa simplex 5C, with pyloric atresia; Epidermolysis bullosa simplex 5B, with muscular dystrophy. Last evaluated: 2022-08-31. Review status: criteria provided, single submitter. Criteria: Invitae Variant Classification Sherloc (09022015). Collection method: clinical testing. Allele origin: germline.
Comment: This sequence change replaces leucine, which is neutral and non-polar, with valine, which is neutral and non-polar, at codon 469 of the PLEC protein (p.Leu469Val). This variant is present in population databases (rs781873552, gnomAD 0.0009%). This variant has not been reported in the literature in individuals affected with PLEC-related conditions. ClinVar contains an entry for this variant (Variation ID: 1002434). Algorithms developed to predict the effect of missense changes on protein structure and function are either unavailable or do not agree on the potential impact of this missense change (SIFT: "Deleterious"; PolyPhen-2: "Not Available"; Align-GVGD: "Class C25"). In summary, the available evidence is currently insufficient to determine the role of this variant in disease. Therefore, it has been classified as a Variant of Uncertain Significance.

NM_201384.3(PLEC):c.1324T>G (p.Leu442Val)

Gene: PLEC (plectin; minus strand). Cytogenetic location: 8q24.3.
Variant type: single nucleotide variant.
Coding change: c.1324T>G on transcript NM_201384.3 (MANE Select); coding-DNA position 1324, T replaced by G.
Protein change: p.Leu442Val; replaces leucine 442 with valine.
Molecular consequence: missense variant.
Genome position (GRCh38, 1-based): chr8:143,933,291, A>C on the plus strand (T>G on the coding strand, the complement: PLEC is on the minus strand). VCF-style: chr8-143933291-A-C. GRCh37 (hg19) VCF-style: chr8-145007459-A-C.
Other names: c.1405T>G, p.Leu469Val (NM_000445.5); c.1282T>G, p.Leu428Val (NM_201378.4); c.1258T>G, p.Leu420Val (NM_201379.3); c.1735T>G, p.Leu579Val (NM_201380.4); c.1228T>G, p.Leu410Val (NM_201381.3); c.1324T>G, p.Leu442Val (NM_201382.4); c.1336T>G, p.Leu446Val (NM_201383.3); short protein forms L410V, L420V, L428V, L442V, L446V, L469V, L579V.
Identifiers: ClinVar variation 1002434 (VCV001002434.6), dbSNP rs781873552, ClinGen allele CA4928016.